The following is an entry in ClinVar:

ClinVar aggregate classification (germline): Conflicting classifications of pathogenicity. Review status: criteria provided, conflicting classifications (1 of 4 stars). 3 submissions from 3 submitters: Uncertain significance (2); Likely benign (1). Last evaluated 2025-06-18.

Conditions:
Hereditary cancer-predisposing syndrome. Also called: Neoplastic Syndromes, Hereditary; Tumor predisposition; Hereditary Cancer Syndrome; Hereditary neoplastic syndrome. Identifiers: Orphanet 140162, MedGen C0027672, MeSH D009386, MONDO:0015356.

Allele frequency attached by ClinVar (database versions not stated): gnomAD exomes below 0.00001.
gnomAD v4.1: 1 of 1,601,856 alleles (0.000062%); highest among the groups gnomAD compares: South Asian, 0.0011%; no homozygotes.

Submissions (3):

Color Diagnostics, LLC DBA Color Health
Classification: Uncertain significance for Hereditary cancer-predisposing syndrome. Last evaluated: 2025-06-18. Review status: criteria provided, single submitter. Criteria: ACMG Guidelines, 2015. Collection method: clinical testing. Allele origin: germline.
Comment: This missense variant replaces proline with serine at codon 655 of the BRCA2 protein. Computational prediction suggests that this variant may not impact protein structure and function. To our knowledge, functional studies have not been reported for this variant. This variant has not been reported in individuals affected with BRCA2-related disorders in the literature. This variant has not been identified in the general population by the Genome Aggregation Database (gnomAD). The available evidence is insufficient to determine the role of this variant in disease conclusively. Therefore, this variant is classified as a Variant of Uncertain Significance.

University of Washington Department of Laboratory Medicine, University of Washington
Classification: Likely benign for Hereditary cancer-predisposing syndrome. Last evaluated: 2023-03-23. Review status: criteria provided, single submitter. Criteria: Dines et al. (Genet Med. 2020). Collection method: curation. Allele origin: germline.
Comment: Missense variant in a coldspot region where missense variants are very unlikely to be pathogenic (PMID:31911673).

BRCA2 exon 11 coldspot. Reclassification based on statistical prior probability.

Ambry Genetics
Classification: Uncertain significance for Hereditary cancer-predisposing syndrome. Last evaluated: 2020-10-14. Review status: criteria provided, single submitter. Criteria: Ambry Variant Classification Scheme 2023. Collection method: clinical testing. Allele origin: germline.
Comment: The p.P655S variant (also known as c.1963C>T), located in coding exon 10 of the BRCA2 gene, results from a C to T substitution at nucleotide position 1963. The proline at codon 655 is replaced by serine, an amino acid with similar properties. This amino acid position is not well conserved in available vertebrate species. In addition, this alteration is predicted to be tolerated by in silico analysis. Since supporting evidence is limited at this time, the clinical significance of this alteration remains unclear.

NM_000059.4(BRCA2):c.1963C>T (p.Pro655Ser)

Gene: BRCA2 (BRCA2 DNA repair associated; plus strand). Cytogenetic location: 13q13.1.
Variant type: single nucleotide variant.
Coding change: c.1963C>T on transcript NM_000059.4 (MANE Select); coding-DNA position 1963, C replaced by T.
Protein change: p.Pro655Ser; replaces proline 655 with serine.
Molecular consequence: missense variant.
Genome position (GRCh38, 1-based): chr13:32,336,318, C>T. VCF-style: chr13-32336318-C-T. GRCh37 (hg19) VCF-style: chr13-32910455-C-T.
Other names: c.1963C>T, p.Pro655Ser (NM_001406719.1, NM_001406720.1); short protein forms P655S.
Identifiers: ClinVar variation 1783484 (VCV001783484.5), dbSNP rs1566225847, ClinGen allele CA387768504.